The following is an entry in ClinVar:

ClinVar aggregate classification (germline): Conflicting classifications of pathogenicity. Review status: criteria provided, conflicting classifications (1 of 4 stars). 2 submissions from 2 submitters: Uncertain significance (1); Likely benign (1). Last evaluated 2025-05-15.

Conditions:
Hereditary cancer-predisposing syndrome. Also called: Tumor predisposition; Hereditary neoplastic syndrome; Hereditary Cancer Syndrome; Neoplastic Syndromes, Hereditary. Identifiers: Orphanet 140162, MedGen C0027672, MeSH D009386, MONDO:0015356.
Hereditary breast ovarian cancer syndrome. Also called: BRCA1- and BRCA2-Associated Hereditary Breast and Ovarian Cancer; Hereditary breast and ovarian cancer; Hereditary breast and/or ovarian cancer syndrome; Hereditary breast and ovarian cancer syndrome; Hereditary breast and ovarian cancer syndrome (HBOC); Breast and ovarian cancer. Identifiers: Orphanet 145, MedGen C0677776, MeSH D061325, MONDO:0003582. Disease mechanism: loss of function.

Submissions (2):

Ambry Genetics
Classification: Likely benign for Hereditary cancer-predisposing syndrome. Last evaluated: 2025-05-15. Review status: criteria provided, single submitter. Criteria: Ambry Variant Classification Scheme 2023. Collection method: clinical testing. Allele origin: germline.

Labcorp Genetics (formerly Invitae), Labcorp
Classification: Uncertain significance for Hereditary breast ovarian cancer syndrome. Last evaluated: 2020-02-04. Review status: criteria provided, single submitter. Criteria: Invitae Variant Classification Sherloc (09022015). Collection method: clinical testing. Allele origin: germline.
Comment: In summary, the available evidence is currently insufficient to determine the role of this variant in disease. Therefore, it has been classified as a Variant of Uncertain Significance. Algorithms developed to predict the effect of missense changes on protein structure and function are either unavailable or do not agree on the potential impact of this missense change (SIFT: "Deleterious"; PolyPhen-2: "Probably Damaging"; Align-GVGD: "Class C15"). This variant has not been reported in the literature in individuals with BRCA2-related conditions. This variant is not present in population databases (ExAC no frequency). This sequence change replaces proline with arginine at codon 3063 of the BRCA2 protein (p.Pro3063Arg). The proline residue is highly conserved and there is a moderate physicochemical difference between proline and arginine.

NM_000059.4(BRCA2):c.9188C>G (p.Pro3063Arg)

Gene: BRCA2 (BRCA2 DNA repair associated; plus strand). Cytogenetic location: 13q13.1.
Variant type: single nucleotide variant.
Coding change: c.9188C>G on transcript NM_000059.4 (MANE Select); coding-DNA position 9188, C replaced by G.
Protein change: p.Pro3063Arg; replaces proline 3063 with arginine.
Molecular consequence: missense variant.
Genome position (GRCh38, 1-based): chr13:32,380,077, C>G. VCF-style: chr13-32380077-C-G. GRCh37 (hg19) VCF-style: chr13-32954214-C-G.
Other names: short protein forms P3063R.
Identifiers: ClinVar variation 962277 (VCV000962277.13), dbSNP rs2072913701, ClinGen allele CA387758165.